The following is an entry in ClinVar:

ClinVar aggregate classification (germline): Uncertain significance (1 of 4 stars; one submission).

Submission:

Labcorp Genetics (formerly Invitae), Labcorp
Classification: Uncertain significance. Last evaluated: 2025-04-21. Review status: criteria provided, single submitter. Criteria: Invitae Variant Classification Sherloc (09022015). Collection method: clinical testing. Allele origin: germline.
Comment: This sequence change replaces threonine, which is neutral and polar, with asparagine, which is neutral and polar, at codon 66 of the SAG protein (p.Thr66Asn). This variant is not present in population databases (gnomAD no frequency). This variant has not been reported in the literature in individuals affected with SAG-related conditions. ClinVar contains an entry for this variant (Variation ID: 1514958). Invitae Evidence Modeling of protein sequence and biophysical properties (such as structural, functional, and spatial information, amino acid conservation, physicochemical variation, residue mobility, and thermodynamic stability) indicates that this missense variant is not expected to disrupt SAG protein function with a negative predictive value of 80%. In summary, the available evidence is currently insufficient to determine the role of this variant in disease. Therefore, it has been classified as a Variant of Uncertain Significance.

NM_000541.5(SAG):c.197C>A (p.Thr66Asn)

Gene: SAG (S-antigen visual arrestin; plus strand). Cytogenetic location: 2q37.1.
Variant type: single nucleotide variant.
Coding change: c.197C>A on transcript NM_000541.5 (MANE Select); coding-DNA position 197, C replaced by A.
Protein change: p.Thr66Asn; replaces threonine 66 with asparagine.
Molecular consequence: missense variant.
Genome position (GRCh38, 1-based): chr2:233,320,645, C>A. VCF-style: chr2-233320645-C-A. GRCh37 (hg19) VCF-style: chr2-234229291-C-A.
Other names: short protein forms T66N.
Identifiers: ClinVar variation 1514958 (VCV001514958.8), dbSNP rs1485741046, ClinGen allele CA351046120.
Genomic context (GRCh38, chr2:233,320,645, plus strand): 5'-CCAGGCCGAGGGCCAAGTCCGACCCTGCCTTCATCTCCCTTGCAGTGTATGTCACTCTGA[C>A]CTGCGCCTTCCGCTATGGCCAAGAGGACATTGACGTGATCGGCTTGACCTTCCGCAGGGA-3'
Protein context (NP_000532.2, residues 56-76): VKGKKVYVTL[Thr66Asn]CAFRYGQEDI